The following is an entry in ClinVar:

NM_000540.3(RYR1):c.4040G>A (p.Gly1347Asp)

Gene: RYR1 (ryanodine receptor 1; plus strand). Cytogenetic location: 19q13.2.
Variant type: single nucleotide variant.
Coding change: c.4040G>A on transcript NM_000540.3 (MANE Select); coding-DNA position 4040, G replaced by A.
Protein change: p.Gly1347Asp; replaces glycine 1347 with aspartic acid.
Molecular consequence: missense variant.
Genome position (GRCh38, 1-based): chr19:38,473,651, G>A. VCF-style: chr19-38473651-G-A. GRCh37 (hg19) VCF-style: chr19-38964291-G-A.
Other names: c.4040G>A, p.Gly1347Asp (NM_001042723.2); short protein forms G1347D.
Identifiers: ClinVar variation 4756945 (VCV004756945.1).

ClinVar aggregate classification (germline): Uncertain significance (1 of 4 stars; one submission).

Conditions:
Malignant hyperthermia, susceptibility to, 1 (MHS1). Also called: RYR1-Related Malignant Hyperthermia Susceptibility; Malignant hyperthermia suceptibility 1; Anesthesia related hyperthermia; Malignant hyperpyrexia; Fulminating hyperpyrexia; Pharmacogenic myopathy. Identifiers: Orphanet 423, MedGen C2930980, MONDO:0007783, OMIM 145600.

gnomAD v4.1: 1 of 1,556,320 alleles (0.000064%); highest among the groups gnomAD compares: Non-Finnish European, 0.000087%; no homozygotes.

Submission:

Color Diagnostics, LLC DBA Color Health
Classification: Uncertain significance for Malignant hyperthermia, susceptibility to, 1. Last evaluated: 2025-06-23. Review status: criteria provided, single submitter. Criteria: ACMG Guidelines, 2015. Collection method: clinical testing. Allele origin: germline.
Comment: This missense variant replaces glycine with aspartic acid at codon 1347 of the RYR1 protein. Computational prediction suggests that this variant may not impact protein structure and function. To our knowledge, functional studies have not been reported for this variant. This variant has not been reported in individuals affected with RYR1-related disorders in the literature. This variant has not been identified in the general population by the Genome Aggregation Database (gnomAD). The available evidence is insufficient to determine the role of this variant in disease conclusively. Therefore, this variant is classified as a Variant of Uncertain Significance.